The following is an entry in ClinVar:

NM_000368.5(TSC1):c.676C>T (p.His226Tyr)

Gene: TSC1 (TSC complex subunit 1; minus strand). Cytogenetic location: 9q34.13.
Variant type: single nucleotide variant.
Coding change: c.676C>T on transcript NM_000368.5 (MANE Select); coding-DNA position 676, C replaced by T.
Protein change: p.His226Tyr; replaces histidine 226 with tyrosine.
Molecular consequence: missense variant.
Genome position (GRCh38, 1-based): chr9:132,921,424, G>A on the plus strand (C>T on the coding strand, the complement: TSC1 is on the minus strand). VCF-style: chr9-132921424-G-A. GRCh37 (hg19) VCF-style: chr9-135796811-G-A.
Other names: c.676C>T, p.His226Tyr (NM_001162426.2); c.523C>T, p.His175Tyr (NM_001162427.2); c.313C>T, p.His105Tyr (NM_001362177.2); short protein forms H105Y, H226Y, H175Y.
Identifiers: ClinVar variation 1500081 (VCV001500081.8), dbSNP rs2132137589, ClinGen allele CA375371479.

ClinVar aggregate classification (germline): Uncertain significance (1 of 4 stars; one submission).

Conditions:
Tuberous sclerosis 1 (TSC1). Identifiers: Orphanet 805, MedGen C1854465, MONDO:0008612, OMIM 191100.

Allele frequency attached by ClinVar (database versions not stated): gnomAD exomes below 0.00001.

Submission:

Labcorp Genetics (formerly Invitae), Labcorp
Classification: Uncertain significance for Tuberous sclerosis 1. Last evaluated: 2020-11-25. Review status: criteria provided, single submitter. Criteria: Invitae Variant Classification Sherloc (09022015). Collection method: clinical testing. Allele origin: germline.
Comment: In summary, the available evidence is currently insufficient to determine the role of this variant in disease. Therefore, it has been classified as a Variant of Uncertain Significance. Algorithms developed to predict the effect of sequence changes on RNA splicing suggest that this variant may create or strengthen a splice site, but this prediction has not been confirmed by published transcriptional studies. Algorithms developed to predict the effect of missense changes on protein structure and function (SIFT, PolyPhen-2, Align-GVGD) all suggest that this variant is likely to be tolerated, but these predictions have not been confirmed by published functional studies and their clinical significance is uncertain. This variant has not been reported in the literature in individuals with TSC1-related conditions. This variant is not present in population databases (ExAC no frequency). This sequence change replaces histidine with tyrosine at codon 226 of the TSC1 protein (p.His226Tyr). The histidine residue is moderately conserved and there is a moderate physicochemical difference between histidine and tyrosine.